The following is an entry in ClinVar:

ClinVar aggregate classification (germline): Uncertain significance (1 of 4 stars; one submission).

Conditions:
Dilated cardiomyopathy 1M (CMD1M). Identifiers: Orphanet 154, MedGen C1843808, MONDO:0011840, OMIM 607482.
Hypertrophic cardiomyopathy 12. Identifiers: MedGen C2677491, MONDO:0012804, OMIM 612124.

Submission:

Labcorp Genetics (formerly Invitae), Labcorp
Classification: Uncertain significance for Hypertrophic cardiomyopathy 12; Dilated cardiomyopathy 1M. Last evaluated: 2025-10-08. Review status: criteria provided, single submitter. Criteria: Invitae Variant Classification Sherloc (09022015). Collection method: clinical testing. Allele origin: germline.
Comment: This sequence change replaces cysteine, which is neutral and slightly polar, with phenylalanine, which is neutral and non-polar, at codon 150 of the CSRP3 protein (p.Cys150Phe). This variant is not present in population databases (gnomAD no frequency). This variant has not been reported in the literature in individuals affected with CSRP3-related conditions. An algorithm developed to predict the effect of missense changes on protein structure and function (PolyPhen-2) suggests that this variant is likely to be disruptive. This variant disrupts the p.Cys150 amino acid residue in CSRP3. Other variant(s) that disrupt this residue have been determined to be pathogenic (PMID: 23396983, 25351510, 33035702; internal data). This suggests that this residue is clinically significant, and that variants that disrupt this residue are likely to be disease-causing. In summary, the available evidence is currently insufficient to determine the role of this variant in disease. Therefore, it has been classified as a Variant of Uncertain Significance.

Literature cited by the submitters: PubMed 23396983; PubMed 25351510; PubMed 33035702.

NM_003476.5(CSRP3):c.449G>T (p.Cys150Phe)

Gene: CSRP3 (cysteine and glycine rich protein 3; minus strand). Cytogenetic location: 11p15.1.
Variant type: single nucleotide variant.
Coding change: c.449G>T on transcript NM_003476.5 (MANE Select); coding-DNA position 449, G replaced by T.
Protein change: p.Cys150Phe; replaces cysteine 150 with phenylalanine.
Molecular consequence: missense variant.
Genome position (GRCh38, 1-based): chr11:19,185,011, C>A on the plus strand (G>T on the coding strand, the complement: CSRP3 is on the minus strand). VCF-style: chr11-19185011-C-A. GRCh37 (hg19) VCF-style: chr11-19206558-C-A.
Other names: c.280G>T, p.Val94Leu (NM_001369404.1); short protein forms C150F, V94L.
Identifiers: ClinVar variation 4793910 (VCV004793910.1).